The following is an entry in ClinVar:

NM_003060.4(SLC22A5):c.1327T>C (p.Phe443Leu)

Gene: SLC22A5 (solute carrier family 22 member 5; plus strand). Cytogenetic location: 5q31.1.
Variant type: single nucleotide variant.
Coding change: c.1327T>C on transcript NM_003060.4 (MANE Select); coding-DNA position 1327, T replaced by C.
Protein change: p.Phe443Leu; replaces phenylalanine 443 with leucine.
Molecular consequence: missense variant.
Genome position (GRCh38, 1-based): chr5:132,392,492, T>C. VCF-style: chr5-132392492-T-C. GRCh37 (hg19) VCF-style: chr5-131728184-T-C.
Other names: c.1399T>C, p.Phe467Leu (NM_001308122.2); short protein forms F443L, F467L.
Identifiers: ClinVar variation 659126 (VCV000659126.8), dbSNP rs1580894264, ClinGen allele CA360808620.

ClinVar aggregate classification (germline): Uncertain significance (1 of 4 stars; one submission).

Conditions:
Renal carnitine transport defect (CDSP). Also called: Carnitine transporter deficiency; Carnitine Deficiency, Systemic; Systemic primary carnitine deficiency disease; Primary carnitine deficiency; CARNITINE DEFICIENCY, SYSTEMIC, DUE TO DEFECT IN RENAL REABSORPTION OF CARNITINE; CARNITINE TRANSPORTER, PLASMA-MEMBRANE, DEFICIENCY OF. Identifiers: Orphanet 158, MedGen C0342788, MONDO:0008919, OMIM 212140.

Allele frequency attached by ClinVar (database versions not stated): gnomAD exomes below 0.00001.
gnomAD v4.1: 3 of 1,613,976 alleles (0.00019%); highest among the groups gnomAD compares: Non-Finnish European, 0.00025%; no homozygotes.

Submission:

Labcorp Genetics (formerly Invitae), Labcorp
Classification: Uncertain significance for Renal carnitine transport defect. Last evaluated: 2023-03-20. Review status: criteria provided, single submitter. Criteria: Invitae Variant Classification Sherloc (09022015). Collection method: clinical testing. Allele origin: germline.
Comment: This sequence change replaces phenylalanine, which is neutral and non-polar, with leucine, which is neutral and non-polar, at codon 443 of the SLC22A5 protein (p.Phe443Leu). In summary, the available evidence is currently insufficient to determine the role of this variant in disease. Therefore, it has been classified as a Variant of Uncertain Significance. Advanced modeling of protein sequence and biophysical properties (such as structural, functional, and spatial information, amino acid conservation, physicochemical variation, residue mobility, and thermodynamic stability) performed at Invitae indicates that this missense variant is expected to disrupt SLC22A5 protein function. ClinVar contains an entry for this variant (Variation ID: 659126). This variant has not been reported in the literature in individuals affected with SLC22A5-related conditions. This variant is not present in population databases (gnomAD no frequency).